The following is an entry in ClinVar:

NM_001031710.3(KLHL7):c.623A>G (p.Tyr208Cys)

Gene: KLHL7 (kelch like family member 7; plus strand). Cytogenetic location: 7p15.3.
Variant type: single nucleotide variant.
Coding change: c.623A>G on transcript NM_001031710.3 (MANE Select); coding-DNA position 623, A replaced by G.
Protein change: p.Tyr208Cys; replaces tyrosine 208 with cysteine.
Molecular consequence: missense variant. On other transcripts: non-coding transcript variant (1).
Genome position (GRCh38, 1-based): chr7:23,143,855, A>G. VCF-style: chr7-23143855-A-G. GRCh37 (hg19) VCF-style: chr7-23183474-A-G.
Other names: c.479A>G, p.Tyr160Cys (NM_018846.5); short protein forms Y160C, Y208C.
Identifiers: ClinVar variation 1370347 (VCV001370347.6), dbSNP rs2128465033, ClinGen allele CA366977397.

ClinVar aggregate classification (germline): Uncertain significance (1 of 4 stars; one submission).

Allele frequency attached by ClinVar (database versions not stated): gnomAD exomes below 0.00001.
gnomAD v4.1: 2 of 1,614,080 alleles (0.00012%); highest among the groups gnomAD compares: Non-Finnish European, 0.00017%; no homozygotes.

Submission:

Labcorp Genetics (formerly Invitae), Labcorp
Classification: Uncertain significance. Last evaluated: 2022-02-24. Review status: criteria provided, single submitter. Criteria: Invitae Variant Classification Sherloc (09022015). Collection method: clinical testing. Allele origin: germline.
Comment: In summary, the available evidence is currently insufficient to determine the role of this variant in disease. Therefore, it has been classified as a Variant of Uncertain Significance. Algorithms developed to predict the effect of missense changes on protein structure and function (SIFT, PolyPhen-2, Align-GVGD) all suggest that this variant is likely to be disruptive. This variant has not been reported in the literature in individuals affected with KLHL7-related conditions. This variant is not present in population databases (gnomAD no frequency). This sequence change replaces tyrosine, which is neutral and polar, with cysteine, which is neutral and slightly polar, at codon 208 of the KLHL7 protein (p.Tyr208Cys).